The following is an entry in ClinVar:

NM_001904.4(CTNNB1):c.674G>A (p.Arg225His)

Genes: CTNNB1 (catenin beta 1; plus strand), LOC126806658 (BRD4-independent group 4 enhancer GRCh37_chr3:41265899-41267098; plus strand). Cytogenetic location: 3p22.1.
Variant type: single nucleotide variant.
Coding change: c.674G>A on transcript NM_001904.4 (MANE Select); coding-DNA position 674, G replaced by A.
Protein change: p.Arg225His; replaces arginine 225 with histidine.
Molecular consequence: missense variant.
Genome position (GRCh38, 1-based): chr3:41,225,512, G>A. VCF-style: chr3-41225512-G-A. GRCh37 (hg19) VCF-style: chr3-41267003-G-A.
Other names: c.674G>A, p.Arg225His (NM_001098210.2, NM_001098209.2); c.653G>A, p.Arg218His (NM_001330729.2); short protein forms R218H, R225H.
Identifiers: ClinVar variation 3257135 (VCV003257135.19).

ClinVar aggregate classification (germline): Uncertain significance. Review status: criteria provided, multiple submitters, no conflicts (2 of 4 stars). 2 submissions from 2 submitters: Uncertain significance (2). Last evaluated 2024-12-31.

gnomAD v4.1: 3 of 1,614,050 alleles (0.00019%); highest among the groups gnomAD compares: Non-Finnish European, 0.00025%; no homozygotes.

Submissions (2):

Labcorp Genetics (formerly Invitae), Labcorp
Classification: Uncertain significance. Last evaluated: 2024-12-31. Review status: criteria provided, single submitter. Criteria: Invitae Variant Classification Sherloc (09022015). Collection method: clinical testing. Allele origin: germline.
Comment: This sequence change replaces arginine, which is basic and polar, with histidine, which is basic and polar, at codon 225 of the CTNNB1 protein (p.Arg225His). This variant is present in population databases (no rsID available, gnomAD 0.0009%). This variant has not been reported in the literature in individuals affected with CTNNB1-related conditions. Invitae Evidence Modeling of protein sequence and biophysical properties (such as structural, functional, and spatial information, amino acid conservation, physicochemical variation, residue mobility, and thermodynamic stability) indicates that this missense variant is not expected to disrupt CTNNB1 protein function with a negative predictive value of 80%. In summary, the available evidence is currently insufficient to determine the role of this variant in disease. Therefore, it has been classified as a Variant of Uncertain Significance.

CeGaT Center for Human Genetics Tuebingen
Classification: Uncertain significance. Last evaluated: 2024-07-01. Review status: criteria provided, single submitter. Criteria: CeGaT Center For Human Genetics Tuebingen Variant Classification Criteria Version 2. Collection method: clinical testing. Allele origin: germline. Affected: yes. Observed: 1 variant allele.
Comment: CTNNB1: PP2